The following is an entry in ClinVar:

NM_153704.6(TMEM67):c.2167T>A (p.Tyr723Asn)

Gene: TMEM67 (transmembrane protein 67; plus strand). Cytogenetic location: 8q22.1.
Variant type: single nucleotide variant.
Coding change: c.2167T>A on transcript NM_153704.6 (MANE Select); coding-DNA position 2167, T replaced by A.
Protein change: p.Tyr723Asn; replaces tyrosine 723 with asparagine.
Molecular consequence: missense variant. On other transcripts: non-coding transcript variant (1).
Genome position (GRCh38, 1-based): chr8:93,799,684, T>A. VCF-style: chr8-93799684-T-A. GRCh37 (hg19) VCF-style: chr8-94811912-T-A.
Other names: c.1924T>A, p.Tyr642Asn (NM_001142301.1); short protein forms Y723N, Y642N.
Identifiers: ClinVar variation 4999171 (VCV004999171.1).

ClinVar aggregate classification (germline): Uncertain significance (1 of 4 stars; one submission).

Conditions:
TMEM67-related disorder. Also called: TMEM67-related condition; TMEM67-related disorders. Identifiers: MedGen CN239423.

Submission:

PreventionGenetics, part of Exact Sciences
Classification: Uncertain significance for TMEM67-related condition. Last evaluated: 2025-03-19. Review status: criteria provided, single submitter. Criteria: ACMG Guidelines, 2015. Collection method: clinical testing. Allele origin: germline.
Comment: The TMEM67 c.2167T>A variant is predicted to result in the amino acid substitution p.Tyr723Asn. To our knowledge, this variant has not been reported in the literature or in a large population database (gnomAD), indicating this variant is rare. A different amino acid substitution at this position (c.2168A>G, Tyr723Cys) has been reported with a second TMEM67 variant in patients with TMEM67-related disorders (Table 3 in Otto et al. 2011. PubMed ID: 21068128; Supp. Table 8 in Chaki et al. 2011. PubMed ID: 21866095). At this time, the clinical significance of this variant is uncertain due to the absence of conclusive functional and genetic evidence.